The following is an entry in ClinVar:

ClinVar aggregate classification (germline): Uncertain significance (1 of 4 stars; one submission).

Conditions:
Peroxisome biogenesis disorder 11A (Zellweger). Also called: Peroxisome biogenesis disorder 11A. Identifiers: Orphanet 912, MedGen C3554000, MONDO:0013949, OMIM 614883.

Allele frequency attached by ClinVar (database versions not stated): gnomAD exomes below 0.00001; TOPMed below 0.00001; ExAC 0.00001; gnomAD 0.00001.
gnomAD v4.1: 2 of 1,614,114 alleles (0.00012%); highest among the groups gnomAD compares: African/African-American, 0.0013%; no homozygotes.

Submission:

Labcorp Genetics (formerly Invitae), Labcorp
Classification: Uncertain significance for Peroxisome biogenesis disorder 11A (Zellweger). Last evaluated: 2022-08-23. Review status: criteria provided, single submitter. Criteria: Invitae Variant Classification Sherloc (09022015). Collection method: clinical testing. Allele origin: germline.
Comment: This sequence change replaces serine, which is neutral and polar, with asparagine, which is neutral and polar, at codon 125 of the PEX13 protein (p.Ser125Asn). This variant is present in population databases (rs748193136, gnomAD 0.007%). This variant has not been reported in the literature in individuals affected with PEX13-related conditions. ClinVar contains an entry for this variant (Variation ID: 1513185). Algorithms developed to predict the effect of missense changes on protein structure and function are either unavailable or do not agree on the potential impact of this missense change (SIFT: "Deleterious"; PolyPhen-2: "Probably Damaging"; Align-GVGD: "Class C0"). In summary, the available evidence is currently insufficient to determine the role of this variant in disease. Therefore, it has been classified as a Variant of Uncertain Significance.

NM_002618.4(PEX13):c.374G>A (p.Ser125Asn)

Gene: PEX13 (peroxisomal biogenesis factor 13; plus strand). Cytogenetic location: 2p15.
Variant type: single nucleotide variant.
Coding change: c.374G>A on transcript NM_002618.4 (MANE Select); coding-DNA position 374, G replaced by A.
Protein change: p.Ser125Asn; replaces serine 125 with asparagine.
Molecular consequence: missense variant.
Genome position (GRCh38, 1-based): chr2:61,031,700, G>A. VCF-style: chr2-61031700-G-A. GRCh37 (hg19) VCF-style: chr2-61258835-G-A.
Other names: short protein forms S125N.
Identifiers: ClinVar variation 1513185 (VCV001513185.3), dbSNP rs748193136, ClinGen allele CA1673289.